The following is an entry in ClinVar:

ClinVar aggregate classification (germline): Likely benign (1 of 4 stars; one submission).

Allele frequency attached by ClinVar (database versions not stated): ExAC 0.00050; gnomAD 0.00102; 1000 Genomes Project 0.00120; 1000 Genomes Project 30x 0.00375.

Submission:

CeGaT Center for Human Genetics Tuebingen
Classification: Likely benign. Last evaluated: 2024-05-01. Review status: criteria provided, single submitter. Criteria: CeGaT Center For Human Genetics Tuebingen Variant Classification Criteria Version 2. Collection method: clinical testing. Allele origin: germline. Affected: yes. Observed: 2 variant alleles.
Comment: AHNAK2: BP4, BP7, BS2

NM_138420.4(AHNAK2):c.5716T>C (p.Leu1906=)

Gene: AHNAK2 (AHNAK nucleoprotein 2; minus strand). Cytogenetic location: 14q32.33.
Variant type: single nucleotide variant.
Coding change: c.5716T>C on transcript NM_138420.4 (MANE Select); coding-DNA position 5716, T replaced by C.
Protein change: p.Leu1906=; no amino-acid change (leucine 1906 retained).
Molecular consequence: synonymous variant.
Genome position (GRCh38, 1-based): chr14:104,949,735, A>G on the plus strand (T>C on the coding strand, the complement: AHNAK2 is on the minus strand). VCF-style: chr14-104949735-A-G. GRCh37 (hg19) VCF-style: chr14-105416072-A-G.
Other names: c.5416T>C, p.Leu1806= (NM_001350929.2).
Identifiers: ClinVar variation 3239178 (VCV003239178.19), dbSNP rs201426111.